The following is an entry in ClinVar:

NM_000535.7(PMS2):c.320G>A (p.Arg107Gln)

Gene: PMS2 (PMS1 homolog 2, mismatch repair system component; minus strand). Cytogenetic location: 7p22.1.
Variant type: single nucleotide variant.
Coding change: c.320G>A on transcript NM_000535.7 (MANE Select); coding-DNA position 320, G replaced by A.
Protein change: p.Arg107Gln; replaces arginine 107 with glutamine.
Molecular consequence: missense variant. On other transcripts: 5 prime UTR variant (9), non-coding transcript variant (1), intron variant (2).
Genome position (GRCh38, 1-based): chr7:6,003,723, C>T on the plus strand (G>A on the coding strand, the complement: PMS2 is on the minus strand). VCF-style: chr7-6003723-C-T. GRCh37 (hg19) VCF-style: chr7-6043354-C-T.
Other names: c.-86G>A (NM_001322003.2, NM_001322004.2, NM_001322005.2 and 3 more transcripts); c.320G>A, p.Arg107Gln (NM_001322006.2, NM_001322014.2); c.-565G>A (NM_001322011.2, NM_001322012.2); c.-165G>A (NM_001322015.2); c.35+249G>A (NM_001322008.2, NM_001322007.2); short protein forms R107Q.
Identifiers: ClinVar variation 91351 (VCV000091351.42), dbSNP rs63751284, ClinGen allele CA011837.

ClinVar aggregate classification (germline): Uncertain significance. Review status: criteria provided, multiple submitters, no conflicts (2 of 4 stars). 15 submissions from 15 submitters: Uncertain significance (15). Last evaluated 2026-06-12.

Conditions:
PMS2-related disorder. Also called: PMS2-related condition.
Lynch syndrome 4 (LYNCH4). Also called: Colorectal cancer, hereditary nonpolyposis, type 4; Hereditary non-polyposis colorectal cancer, type 4. Identifiers: Orphanet 144, MedGen C1838333, MONDO:0013699, OMIM 614337. Disease mechanism: loss of function.
Lynch syndrome. Identifiers: Orphanet 144, MedGen C4552100, MONDO:0005835. Disease mechanism: loss of function.
Hereditary breast ovarian cancer syndrome. Also called: Hereditary breast and ovarian cancer syndrome; Breast and ovarian cancer; BRCA1- and BRCA2-Associated Hereditary Breast and Ovarian Cancer; Hereditary breast and ovarian cancer syndrome (HBOC); Hereditary breast and ovarian cancer; Hereditary breast and/or ovarian cancer syndrome. Identifiers: Orphanet 145, MedGen C0677776, MeSH D061325, MONDO:0003582. Disease mechanism: loss of function.
Hereditary nonpolyposis colorectal neoplasms. Identifiers: MedGen C0009405, MeSH D003123.
Hereditary cancer-predisposing syndrome. Also called: Hereditary neoplastic syndrome; Hereditary Cancer Syndrome; Neoplastic Syndromes, Hereditary; Tumor predisposition. Identifiers: Orphanet 140162, MedGen C0027672, MeSH D009386, MONDO:0015356.
Colon cancer. Also called: Malignant tumor of colon. Identifiers: MedGen C0007102, MONDO:0021063, HP:0003003.

Allele frequency attached by ClinVar (database versions not stated): TOPMed 0.00002; gnomAD exomes 0.00004; ExAC 0.00006.
gnomAD v4.1: 68 of 1,598,348 alleles (0.0043%); highest among the groups gnomAD compares: South Asian, 0.0077%; no homozygotes.

Submissions 1 to 7 of 16:

Women's Health and Genetics/Laboratory Corporation of America, LabCorp
Classification: Uncertain significance. Last evaluated: 2026-06-12. Review status: criteria provided, single submitter. Criteria: LabCorp Variant Classification Summary - May 2015. Collection method: clinical testing. Allele origin: germline.
Comment: Variant summary: PMS2 c.320G>A (p.Arg107Gln) results in a conservative amino acid change located in the DNA mismatch repair protein family, N-terminal domain (IPR002099) of the encoded protein sequence. Algorithms developed to predict the effect of missense changes on protein structure and function are either unavailable or do not agree on the potential impact of this missense change. The variant allele was found at a frequency of 4.2e-05 in 236632 control chromosomes. This frequency is not significantly higher than estimated for disease-causing variants in PMS2, allowing no conclusion about variant significance. c.320G>A has been observed in individuals affected with PMS2-related Hereditary Nonpolyposis Colorectal Cancer and breast and uterus cancer cancer without strong evidence of causality (Thompson_2004, Yurgelun_2017, internal data). These data do not allow any conclusion about variant significance. A different variant affecting the same codon has been classified as likely pathogenic/pathogenic by our lab (c.319C>T, p.Arg107Trp), supporting the critical relevance of codon 107 to PMS2 protein function. To our knowledge, no experimental evidence demonstrating an impact on protein function has been reported. The following publications have been ascertained in the context of this evaluation (PMID: 15521988, 14756672, 28135145). ClinVar contains an entry for this variant (Variation ID: 91351). Based on the evidence outlined above, the variant was classified as VUS-possibly pathogenic.

Clinical Genetics Laboratory, Skane University Hospital Lund
Classification: Uncertain significance for Colon cancer. Last evaluated: 2026-03-03. Review status: criteria provided, single submitter. Criteria: ACMG Guidelines, 2015. Collection method: clinical testing. Allele origin: germline. Affected: yes.
Comment: Classified using ClinGen InSiGHT Hereditary Colorectal Cancer/Polyposis Expert Panel Specifications to the ACMG/AMP Variant Interpretation Guidelines for PMS2 Version 1.0.0: PM5.

Labcorp Genetics (formerly Invitae), Labcorp
Classification: Uncertain significance for Hereditary nonpolyposis colorectal neoplasms. Last evaluated: 2026-01-12. Review status: criteria provided, single submitter. Criteria: Invitae Variant Classification Sherloc (09022015). Collection method: clinical testing. Allele origin: germline.
Comment: This sequence change replaces arginine, which is basic and polar, with glutamine, which is neutral and polar, at codon 107 of the PMS2 protein (p.Arg107Gln). This variant is present in population databases (rs63751284, gnomAD 0.01%). This missense change has been observed in individual(s) with colorectal cancer and/or Lynch syndrome, breast and uterus cancer (PMID: 28135145, 34326862; internal data). ClinVar contains an entry for this variant (Variation ID: 91351). Invitae Evidence Modeling of protein sequence and biophysical properties (such as structural, functional, and spatial information, amino acid conservation, physicochemical variation, residue mobility, and thermodynamic stability) indicates that this missense variant is expected to disrupt PMS2 protein function with a positive predictive value of 80%. RNA analysis performed to evaluate the impact of this missense change on mRNA splicing indicates it does not significantly alter splicing (internal data). In summary, the available evidence is currently insufficient to determine the role of this variant in disease. Therefore, it has been classified as a Variant of Uncertain Significance.

Center for Genomic Medicine, Rigshospitalet, Copenhagen University Hospital
Classification: Uncertain significance. Last evaluated: 2025-12-29. Review status: criteria provided, single submitter. Criteria: ACMG Guidelines, 2015. Collection method: clinical testing. Allele origin: germline.

PreventionGenetics, part of Exact Sciences
Classification: Uncertain significance for PMS2-related condition. Last evaluated: 2025-12-29. Review status: criteria provided, single submitter. Criteria: ACMG Guidelines, 2015. Collection method: clinical testing. Allele origin: germline.
Comment: The PMS2 c.320G>A variant is predicted to result in the amino acid substitution p.Arg107Gln. This variant was reported in an individual with colorectal cancer (Yurgelun et al. 2017. PubMed ID: 28135145) and in an individual with breast and uterine cancer (Table S4, Bhai et al. 2021. PubMed ID: 34326862). This variant was also identified in a control individual in a pancreatic cancer study (Mizukami et al. 2020. PubMed ID: 32980694). This variant is reported in 0.016% of alleles in individuals of South Asian descent in gnomAD, and is classified as a variant of uncertain significance in ClinVar (Variation ID: 91351). At this time, the clinical significance of this variant is uncertain due to the absence of conclusive functional and genetic evidence.

Quest Diagnostics Nichols Institute San Juan Capistrano
Classification: Uncertain significance. Last evaluated: 2025-07-12. Review status: criteria provided, single submitter. Criteria: Quest Diagnostics criteria. Collection method: clinical testing. Allele origin: unknown.
Comment: The PMS2 c.320G>A (p.Arg107Gln) variant has been reported in the published literature in individuals with biliary tract cancer (PMID: 36243179 (2022)), colorectal cancer (PMID: 28135145 (2017), 14756672 (2004)), breast and/or uterine cancer (PMID: 34326862 (2021), 33471991 (2021), see also LOVD), and in reportedly unaffected individuals (PMID: 32980694 (2020), 33471991 (2021), see also LOVD). The frequency of this variant in the general population (Genome Aggregation Database) is uninformative in the assessment of its pathogenicity. Analysis of this variant using bioinformatics tools for the prediction of the effect of amino acid changes on protein structure and function yielded predictions that this variant is damaging. Additional analysis using software algorithms for the prediction of the effect of nucleotide changes on PMS2 mRNA splicing yielded predictions that this variant may result in the gain of a cryptic splice site without affecting the natural splice sites. Based on the available information, we are unable to determine the clinical significance of this variant.

Color Diagnostics, LLC DBA Color Health
Classification: Uncertain significance for Hereditary cancer-predisposing syndrome. Last evaluated: 2025-02-11. Review status: criteria provided, single submitter. Criteria: ACMG Guidelines, 2015. Collection method: clinical testing. Allele origin: germline.
Comment: This missense variant replaces arginine with glutamine at codon 107 of the PMS2 protein. Computational prediction suggests that this variant may have deleterious impact on protein structure and function (internally defined REVEL score threshold >= 0.7, PMID: 27666373). To our knowledge, functional studies have not been reported for this variant. This variant has been observed in individuals affected with Lynch syndrome-associated cancer (PMID: 14756672, 28135145). In a pancreatic cancer case-control study the variant was reported in an unaffected control and absent in cases (PMID: 32980694), and in a breast cancer case-control study it was reported in two cases and three unaffected controls (PMID: 33471991). This variant has also been reported in an individual affected with breast and uterine cancers (PMID: 34326862). This variant has been identified in 68/1598348 chromosomes in the general population by the Genome Aggregation Database (gnomAD). A different variant affecting the same codon, c.319C>T (p.Arg107Trp), is considered to be disease-causing (ClinVar variation ID: 127789), suggesting this position is important for the protein function. The available evidence is insufficient to determine the role of this variant in disease conclusively. Therefore, this variant is classified as a Variant of Uncertain Significance.